The following is an entry in ClinVar:

NM_001130144.3(LTBP3):c.2956T>C (p.Tyr986His)

Genes: LTBP3 (latent transforming growth factor beta binding protein 3; minus strand), LOC121832793 (Sharpr-MPRA regulatory region 4001; plus strand). Cytogenetic location: 11q13.1.
Variant type: single nucleotide variant.
Coding change: c.2956T>C on transcript NM_001130144.3 (MANE Select); coding-DNA position 2956, T replaced by C.
Protein change: p.Tyr986His; replaces tyrosine 986 with histidine.
Molecular consequence: missense variant.
Genome position (GRCh38, 1-based): chr11:65,540,892, A>G on the plus strand (T>C on the coding strand, the complement: LTBP3 is on the minus strand). VCF-style: chr11-65540892-A-G. GRCh37 (hg19) VCF-style: chr11-65308363-A-G.
Other names: c.2605T>C, p.Tyr869His (NM_001164266.1); c.2956T>C, p.Tyr986His (NM_021070.4); short protein forms Y869H, Y986H.
Identifiers: ClinVar variation 3292248 (VCV003292248.1).
Genomic context (GRCh38, chr11:65,540,892, plus strand): 5'-TGAGAGGGCGCGGGGCGGGCGGAGCCGCAGGGCGCTTACCACGGTGGGCTGGGATGCCGT[A>G]GTTGACGATGTTGTTGTCCTGGGTGTAGCCCTTTCCGTCTGGGCAGAGGCTGTGGAACTC-3'
Protein context (NP_001123616.1, residues 976-996): GYTQDNNIVN[Tyr986His]GIPAHRDIDE

ClinVar aggregate classification (germline): Uncertain significance (1 of 4 stars; one submission).

Conditions:
Inborn genetic diseases. Identifiers: MedGen C0950123, MeSH D030342.

Submission:

Ambry Genetics
Classification: Uncertain significance for Inborn genetic diseases. Last evaluated: 2024-05-06. Review status: criteria provided, single submitter. Criteria: Ambry Variant Classification Scheme 2023. Collection method: clinical testing. Allele origin: germline.
Comment: The p.Y986H variant (also known as c.2956T>C), located in coding exon 21 of the LTBP3 gene, results from a T to C substitution at nucleotide position 2956. The tyrosine at codon 986 is replaced by histidine, an amino acid with similar properties. This amino acid position is conserved. In addition, the in silico prediction for this alteration is inconclusive. Based on the available evidence, the clinical significance of this variant remains unclear.